The following is an entry in ClinVar:

NM_152419.3(HGSNAT):c.591_592insTTTTTTTTTTTTTTTTTTTTNNNNNNNNNNCCCTCCCCCGACCCCACCACAGTCCCCAGTGTGTTATATTCCCCTTCCTGTGTCTATGTGATCTT (p.Lys198fs)

Gene: HGSNAT (heparan-alpha-glucosaminide N-acetyltransferase; plus strand). Cytogenetic location: 8p11.21.
Variant type: Microsatellite.
Coding change: c.591_592insTTTTTTTTTTTTTTTTTTTTNNNNNNNNNNCCCTCCCCCGACCCCACCACAGTCCCCAGTGTGTTATATTCCCCTTCCTGTGTCTATGTGATCTT on transcript NM_152419.3 (MANE Select); coding-DNA positions 591 to 592, TTTTTTTTTTTTTTTTTTTTNNNNNNNNNNCCCTCCCCCGACCCCACCACAGTCCCCAGTGTGTTATATTCCCCTTCCTGTGTCTATGTGATCTT inserted.
Protein change: p.Lys198fs; shifts the reading frame from lysine 198.
Molecular consequence: frameshift variant. On other transcripts: 5 prime UTR variant (1).
Genome position: GRCh38, VCF-style position (the base before the change): chr8:43,169,199. GRCh37 (hg19), VCF-style position (the base before the change): chr8:43,024,342.
Other names: c.591_592insTTTTTTTTTTTTTTTTTTTTNNNNNNNNNNCCCTCCCCCGACCCCACCACAGTCCCCAGTGTGTTATATTCCCCTTCCTGTGTCTATGTGATCTT, p.Lys198fs (NM_001363227.2, NM_001363228.2); c.-243T[21]N[10]CCCTCCCCCGACCCCACCACAGTCCCCAGTGTGTTATATTCCCCTTCCTGTGTCTATGTGATCTT[1] (NM_001363229.2); short protein forms K198fs.
Identifiers: ClinVar variation 3754844 (VCV003754844.2).

ClinVar aggregate classification (germline): Pathogenic (1 of 4 stars; one submission).

Conditions:
Mucopolysaccharidosis, MPS-III-C (MPS3C). Also called: SANFILIPPO SYNDROME C; MPS III C; Mucopolysaccharidosis type IIIC (Sanfilippo C); mucopolysaccharidosis type 3C; MUCOPOLYSACCHARIDOSIS, TYPE IIIC; MPS IIIC (Sanfilippo Syndrome Type C). Identifiers: Orphanet 581, Orphanet 79271, MedGen C0086649, MONDO:0009657, OMIM 252930.
Retinitis pigmentosa 73 (RP73). Identifiers: Orphanet 791, MedGen C4225287, MONDO:0014687, OMIM 616544.

Submission:

Labcorp Genetics (formerly Invitae), Labcorp
Classification: Pathogenic for Retinitis pigmentosa 73; Mucopolysaccharidosis, MPS-III-C. Last evaluated: 2024-02-20. Review status: criteria provided, single submitter. Criteria: Invitae Variant Classification Sherloc (09022015). Collection method: clinical testing. Allele origin: germline.
Comment: This sequence change inserts a large fragment of DNA, likely a transposable element, in exon 6 of the HGSNAT gene (c.591_592ins?), causing a frameshift at codon 198 (p.Lys198fs). The exact size and sequence of the insertion cannot be determined by the current assay. However, the insertion is expected to result in an absent or disrupted protein product. This variant has not been reported in the literature in individuals affected with HGSNAT-related conditions. Retrotransposon insertions including LINE1 (L1), Alu, and SVA (SINE-VNTR-Alu) have been reported to be disease-causing through disruption of either a coding region or splice site (PMID: 19763152, 20307669, 22406018) and loss-of-function variants in HGSNAT are known to be pathogenic (PMID: 17033958, 19479962). For these reasons, this variant has been classified as Pathogenic.

Literature cited by the submitters: PubMed 19763152; PubMed 20307669; PubMed 22406018; PubMed 17033958; PubMed 19479962.